The following is an entry in ClinVar:

NM_001009944.3(PKD1):c.828C>T (p.Thr276=)

Gene: PKD1 (polycystin 1, transient receptor potential channel interacting; minus strand). Cytogenetic location: 16p13.3.
Variant type: single nucleotide variant.
Coding change: c.828C>T on transcript NM_001009944.3 (MANE Select); coding-DNA position 828, C replaced by T.
Protein change: p.Thr276=; no amino-acid change (threonine 276 retained).
Molecular consequence: synonymous variant.
Genome position (GRCh38, 1-based): chr16:2,118,164, G>A on the plus strand (C>T on the coding strand, the complement: PKD1 is on the minus strand). VCF-style: chr16-2118164-G-A. GRCh37 (hg19) VCF-style: chr16-2168165-G-A.
Other names: c.828C>T, p.Thr276= (NM_000296.4).
Identifiers: ClinVar variation 4085903 (VCV004085903.8).

ClinVar aggregate classification (germline): Likely benign (1 of 4 stars; one submission).

Submission:

CeGaT Center for Human Genetics Tuebingen
Classification: Likely benign. Last evaluated: 2025-08-01. Review status: criteria provided, single submitter. Criteria: CeGaT Center For Human Genetics Tuebingen Variant Classification Criteria Version 2. Collection method: clinical testing. Allele origin: germline. Affected: yes. Observed: 1 variant allele.
Comment: PKD1: BP4, BP7